The following is an entry in ClinVar:

ClinVar aggregate classification (germline): Conflicting classifications of pathogenicity. Review status: criteria provided, conflicting classifications (1 of 4 stars). 9 submissions from 9 submitters: Uncertain significance (1); Benign (5); Likely benign (1). 2 of the submissions do not count toward it. Last evaluated 2026-02-04.

Conditions:
Autosomal recessive nonsyndromic hearing loss 9. Also called: Deafness, autosomal recessive 9; AUDITORY NEUROPATHY, AUTOSOMAL RECESSIVE, 1, TEMPERATURE-SENSITIVE; NEUROSENSORY NONSYNDROMIC RECESSIVE DEAFNESS 9; OTOF-Related Hearing Loss. Identifiers: Orphanet 90636, MedGen C1832828, MONDO:0010986, OMIM 601071.

Allele frequency attached by ClinVar (database versions not stated): 1000 Genomes Project 30x 0.00406; 1000 Genomes Project 0.00419; TOPMed 0.00842; gnomAD 0.00887 and 0.00890; ESP Exome Variant Server 0.00938; gnomAD exomes 0.00999 and 0.01016; ExAC 0.01054.
gnomAD v4.1: 16,286 of 1,613,840 alleles (1%); highest among the groups gnomAD compares: Middle Eastern, 1.4%; 94 homozygotes.

Submissions (9):

Labcorp Genetics (formerly Invitae), Labcorp
Classification: Benign. Last evaluated: 2026-02-04. Review status: criteria provided, single submitter. Criteria: Invitae Variant Classification Sherloc (09022015). Collection method: clinical testing. Allele origin: germline.

ARUP Laboratories, Molecular Genetics and Genomics, ARUP Laboratories
Classification: Benign. Last evaluated: 2023-11-22. Review status: criteria provided, single submitter. Criteria: ARUP Molecular Germline Variant Investigation Process 2024. Collection method: clinical testing. Allele origin: germline.

Athena Diagnostics
Classification: Benign. Last evaluated: 2019-02-27. Review status: criteria provided, single submitter. Criteria: Athena Diagnostics Criteria. Collection method: clinical testing. Allele origin: germline.

Illumina Laboratory Services, Illumina
Classification: Uncertain significance for Autosomal recessive nonsyndromic hearing loss 9. Last evaluated: 2018-01-13. Review status: criteria provided, single submitter. Criteria: ICSL Variant Classification Criteria 13 December 2019. Collection method: clinical testing. Allele origin: germline.

GeneDx
Classification: Likely benign. Last evaluated: 2017-12-08. Review status: criteria provided, single submitter. Criteria: GeneDx Variant Classification (06012015). Collection method: clinical testing. Allele origin: germline. Affected: yes.
Comment: This variant is considered likely benign or benign based on one or more of the following criteria: it is a conservative change, it occurs at a poorly conserved position in the protein, it is predicted to be benign by multiple in silico algorithms, and/or has population frequency not consistent with disease.

Laboratory for Molecular Medicine, Mass General Brigham Personalized Medicine
Classification: Benign. Last evaluated: 2012-03-20. Review status: criteria provided, single submitter. Criteria: LMM Criteria. Collection method: clinical testing. Allele origin: germline. Observed: 36 variant alleles.
Comment: 710+10C>T in exon 7 of OTOF: This variant is not expected to have clinical signi ficance because it is not located within the splice consensus sequence, has been identified in 1.4% (96/7020) of European American chromosomes and 0.2% (8/3738) of African American chromosomes in a broad population by the NHLBI Exome sequen cing project (dbSNP rs55639868).

PreventionGenetics, part of Exact Sciences
Classification: Benign. Review status: criteria provided, single submitter. Criteria: ACMG Guidelines, 2015. Collection method: clinical testing. Allele origin: germline.

Clinical Genetics DNA and cytogenetics Diagnostics Lab, Erasmus MC, Erasmus Medical Center
Classification: Likely benign. Review status: no assertion criteria provided. Collection method: clinical testing. Allele origin: germline. Affected: yes. Study: VKGL Data-share Consensus. Not counted in ClinVar's aggregate classification.

Joint Genome Diagnostic Labs from Nijmegen and Maastricht, Radboudumc and MUMC+
Classification: Benign. Review status: no assertion criteria provided. Collection method: clinical testing. Allele origin: germline. Affected: yes. Study: VKGL Data-share Consensus. Not counted in ClinVar's aggregate classification.

NM_194248.3(OTOF):c.710+10C>T

Gene: OTOF (otoferlin; minus strand). Cytogenetic location: 2p23.3.
Variant type: single nucleotide variant.
Coding change: c.710+10C>T on transcript NM_194248.3 (MANE Select); 10 bases into the intron after coding-DNA position 710, C replaced by T.
Molecular consequence: intron variant.
Genome position (GRCh38, 1-based): chr2:26,502,290, G>A on the plus strand (C>T on the coding strand, the complement: OTOF is on the minus strand). VCF-style: chr2-26502290-G-A. GRCh37 (hg19) VCF-style: chr2-26725158-G-A.
Other names: c.710+10C>T (NM_001287489.2).
Identifiers: ClinVar variation 48273 (VCV000048273.30), dbSNP rs55639868, ClinGen allele CA142954.
Genomic context (GRCh38, chr2:26,502,290, plus strand): 5'-AATCATGGCAAGCCAGGTCCTGCCTGACAGGGTGGGGGCAGCTGGGGTTGCAGGGCTCCC[G>A]TCCACTCACCGCTTGTTGGAGACATTAGTGGTGAGAGCTGTGACTGAGGCTAGAGACACC-3'